The following is an entry in ClinVar:

NM_006000.3(TUBA4A):c.927C>T (p.His309=)

Gene: TUBA4A (tubulin alpha 4a; minus strand). Cytogenetic location: 2q35.
Variant type: single nucleotide variant.
Coding change: c.927C>T on transcript NM_006000.3 (MANE Select); coding-DNA position 927, C replaced by T.
Protein change: p.His309=; no amino-acid change (histidine 309 retained).
Molecular consequence: synonymous variant.
Genome position (GRCh38, 1-based): chr2:219,250,772, G>A on the plus strand (C>T on the coding strand, the complement: TUBA4A is on the minus strand). VCF-style: chr2-219250772-G-A. GRCh37 (hg19) VCF-style: chr2-220115494-G-A.
Other names: c.882C>T, p.His294= (NM_001278552.2).
Identifiers: ClinVar variation 3052433 (VCV003052433.3), dbSNP rs746979509, ClinGen allele CA2122402.

ClinVar aggregate classification (germline): Likely benign. Review status: criteria provided, single submitter (1 of 4 stars). 2 submissions from 2 submitters: Likely benign (1). 1 of the submissions does not count toward it. Last evaluated 2022-12-01.

Conditions:
TUBA4A-related disorder. Also called: TUBA4A-related condition.

Allele frequency attached by ClinVar (database versions not stated): gnomAD exomes 0.00002; ExAC 0.00003; TOPMed 0.00003.
gnomAD v4.1: 25 of 1,614,230 alleles (0.0015%); highest among the groups gnomAD compares: South Asian, 0.018%; no homozygotes.

Submissions (2):

Blueprint Genetics
Classification: Likely benign. Last evaluated: 2022-12-01. Review status: criteria provided, single submitter. Criteria: ACMG Guidelines, 2015. Collection method: clinical testing. Allele origin: germline.

PreventionGenetics, part of Exact Sciences
Classification: Likely benign for TUBA4A-related condition. Last evaluated: 2022-05-02. Review status: no assertion criteria provided. Collection method: clinical testing. Allele origin: germline. Not counted in ClinVar's aggregate classification.
Comment: This variant is classified as likely benign based on ACMG/AMP sequence variant interpretation guidelines (Richards et al. 2015 PMID: 25741868, with internal and published modifications).